The following is an entry in ClinVar:

ClinVar aggregate classification (germline): Pathogenic (1 of 4 stars; one submission).

Conditions:
Inborn genetic diseases. Identifiers: MedGen C0950123, MeSH D030342.

Submission:

Ambry Genetics
Classification: Pathogenic for Inborn genetic diseases. Last evaluated: 2025-09-09. Review status: criteria provided, single submitter. Criteria: Ambry Variant Classification Scheme 2023. Collection method: clinical testing. Allele origin: germline.
Comment: The c.4947delT (p.F1649Lfs*37) alteration, located in exon 9 (coding exon 7) of the ANKRD11 gene, consists of a deletion of one nucleotide at position 4947, causing a translational frameshift with a predicted alternate stop codon after 37 amino acids. This alteration is expected to result in loss of function by premature protein truncation or nonsense-mediated mRNA decay. This variant was not reported in population-based cohorts in the Genome Aggregation Database (gnomAD). Based on the available evidence, this alteration is classified as pathogenic.

NM_013275.6(ANKRD11):c.4947del (p.Phe1649fs)

Gene: ANKRD11 (ankyrin repeat domain containing 11; minus strand). Cytogenetic location: 16q24.3.
Variant type: Deletion.
Coding change: c.4947del on transcript NM_013275.6 (MANE Select); coding-DNA position 4947, one base deleted (T; older notation c.4947delT).
Protein change: p.Phe1649fs; shifts the reading frame from phenylalanine 1649.
Molecular consequence: frameshift variant.
Genome position (GRCh38, 1-based): chr16:89,281,595, A deleted on the plus strand (T on the coding strand, the reverse complement: ANKRD11 is on the minus strand); the first of 3 consecutive A bases (chr16:89,281,595-89,281,597); deleting any one gives the same sequence. VCF-style (leftmost placement, unchanged base first): chr16-89281594-TA-T. GRCh37 (hg19) VCF-style: chr16-89348002-TA-T.
Other names: c.4947del, p.Phe1649fs (NM_001256182.2, NM_001256183.2); short protein forms F1649fs.
Identifiers: ClinVar variation 4100580 (VCV004100580.1).